The following is an entry in ClinVar:

NM_001130987.2(DYSF):c.989T>G (p.Leu330Arg)

Gene: DYSF (dysferlin; plus strand). Cytogenetic location: 2p13.2.
Variant type: single nucleotide variant.
Coding change: c.989T>G on transcript NM_001130987.2 (MANE Select); coding-DNA position 989, T replaced by G.
Protein change: p.Leu330Arg; replaces leucine 330 with arginine.
Molecular consequence: missense variant.
Genome position (GRCh38, 1-based): chr2:71,517,026, T>G. VCF-style: chr2-71517026-T-G. GRCh37 (hg19) VCF-style: chr2-71744156-T-G.
Other names: c.893T>G (NM_003494.3); c.896T>G, p.Leu299Arg (NM_001130455.2, NM_001130983.2, NM_001130984.2 and 1 more transcripts); c.893T>G, p.Leu298Arg (NM_001130976.2, NM_001130977.2, NM_001130978.2 and 1 more transcripts); c.986T>G, p.Leu329Arg (NM_001130979.2, NM_001130980.2, NM_001130981.2); c.989T>G, p.Leu330Arg (NM_001130982.2, NM_001130985.2); short protein forms L298R, L299R, L329R, L330R.
Identifiers: ClinVar variation 1053245 (VCV001053245.11), dbSNP rs2152736786, ClinGen allele CA347210270.
Genomic context (GRCh38, chr2:71,517,026, plus strand): 5'-GTTTCCATGATCTTTCTCTGCAGGTGGTAGACTCTCGTTCTCTCAGGACAGATGCTCTCC[T>G]CGGGGAGTTCCGGGTAATTGCTTATTTTCTATGAAAGCAGTCAGTTCTCACTTCTCCGTG-3'
Protein context (NP_001124459.1, residues 320-340): DSRSLRTDAL[Leu330Arg]GEFRMDVGTI

ClinVar aggregate classification (germline): Uncertain significance. Review status: criteria provided, multiple submitters, no conflicts (2 of 4 stars). 2 submissions from 2 submitters: Uncertain significance (2). Last evaluated 2020-10-05.

Conditions:
Neuromuscular disease caused by qualitative or quantitative defects of dysferlin. Also called: Qualitative or quantitative defects of dysferlin; Dysferlinopathy. Identifiers: Orphanet 207073, MedGen C2931687, MONDO:0016145.

Submissions (2):

Revvity Omics, Revvity
Classification: Uncertain significance. Last evaluated: 2020-10-05. Review status: criteria provided, single submitter. Criteria: ACMG Guidelines, 2015. Collection method: clinical testing. Allele origin: germline.

Labcorp Genetics (formerly Invitae), Labcorp
Classification: Uncertain significance for Neuromuscular disease caused by qualitative or quantitative defects of dysferlin. Last evaluated: 2020-07-16. Review status: criteria provided, single submitter. Criteria: Invitae Variant Classification Sherloc (09022015). Collection method: clinical testing. Allele origin: germline.
Comment: In summary, the available evidence is currently insufficient to determine the role of this variant in disease. Therefore, it has been classified as a Variant of Uncertain Significance. Advanced modeling of protein sequence and biophysical properties (such as structural, functional, and spatial information, amino acid conservation, physicochemical variation, residue mobility, and thermodynamic stability) performed at Invitae indicates that this missense variant is not expected to disrupt DYSF protein function. This variant has not been reported in the literature in individuals with DYSF-related conditions. This variant is not present in population databases (ExAC no frequency). This sequence change replaces leucine with arginine at codon 298 of the DYSF protein (p.Leu298Arg). The leucine residue is weakly conserved and there is a moderate physicochemical difference between leucine and arginine.